The following is an entry in ClinVar:

ClinVar aggregate classification (germline): Conflicting classifications of pathogenicity. Review status: criteria provided, conflicting classifications (1 of 4 stars). 22 submissions from 22 submitters: Uncertain significance (1); Benign (5); Likely benign (11). 5 of the submissions do not count toward it. Last evaluated 2026-01-31.

Conditions:
Acute lymphoid leukemia (ALL). Also called: Leukemia, acute lymphoblastic, somatic; Acute lymphoblastic leukemia; Acute lymphocytic leukemia; Lymphoblastic leukemia. Identifiers: Orphanet 513, MedGen C0023449, MONDO:0004967, OMIM 613065, HP:0006721.
Hereditary cancer-predisposing syndrome. Also called: Tumor predisposition; Hereditary neoplastic syndrome; Neoplastic Syndromes, Hereditary; Hereditary Cancer Syndrome. Identifiers: Orphanet 140162, MedGen C0027672, MeSH D009386, MONDO:0015356.
Microcephaly, normal intelligence and immunodeficiency (NBS). Also called: Immunodeficiency, microcephaly with normal intelligence; Ataxia telangiectasia variant V1; IMMUNODEFICIENCY, MICROCEPHALY, AND CHROMOSOMAL INSTABILITY; SEEMANOVA SYNDROME II; Nijmegen breakage syndrome; Microcephaly with normal intelligence immunodeficiency and lymphoreticular malignancies. Identifiers: Orphanet 647, MedGen C0398791, MONDO:0009623, OMIM 251260.
Malignant tumor of breast. Also called: Malignant breast neoplasm; Cancer breast. Identifiers: MedGen C0006142, MONDO:0007254. Disease mechanism: loss of function.

Allele frequency attached by ClinVar (database versions not stated): 1000 Genomes Project 0.00040; gnomAD 0.00044 and 0.00048; 1000 Genomes Project 30x 0.00047; TOPMed 0.00057; ESP Exome Variant Server 0.00062; gnomAD exomes 0.00072 and 0.00092; ExAC 0.00076.
gnomAD v4.1: 1,404 of 1,613,254 alleles (0.087%); highest among the groups gnomAD compares: Non-Finnish European, 0.1%; 3 homozygotes.

Submissions (22):

Labcorp Genetics (formerly Invitae), Labcorp
Classification: Benign for Microcephaly, normal intelligence and immunodeficiency. Last evaluated: 2026-01-31. Review status: criteria provided, single submitter. Criteria: Invitae Variant Classification Sherloc (09022015). Collection method: clinical testing. Allele origin: germline.

CeGaT Center for Human Genetics Tuebingen
Classification: Likely benign. Last evaluated: 2025-11-01. Review status: criteria provided, single submitter. Criteria: CeGaT Center For Human Genetics Tuebingen Variant Classification Criteria Version 2. Collection method: clinical testing. Allele origin: germline. Affected: yes. Observed: 2 variant alleles.
Comment: NBN: BP4

Praxis Für Humangenetik, Biosciencia MVZ Labor Saar
Classification: Likely benign for Hereditary cancer-predisposing syndrome. Last evaluated: 2025-10-15. Review status: criteria provided, single submitter. Criteria: ACMG Guidelines, 2015. Collection method: clinical testing. Allele origin: germline.
Comment: BP4, BS1

Laboratorio de I+D, Fundación Centro Médico de Asturias
Classification: Benign for Hereditary cancer-predisposing syndrome. Last evaluated: 2025-07-13. Review status: criteria provided, single submitter. Criteria: ACMG Guidelines, 2015. Collection method: clinical testing. Allele origin: germline.
Comment: BS1+BS2+BP4_Strong+BP1

Mayo Clinic Laboratories, Mayo Clinic
Classification: Likely benign. Last evaluated: 2025-06-30. Review status: criteria provided, single submitter. Criteria: ACMG Guidelines, 2015. Collection method: clinical testing. Allele origin: germline. Observed: 1 variant allele.
Comment: BS2, BP4_moderate

Blueprint Genetics
Classification: Likely benign. Last evaluated: 2024-11-14. Review status: criteria provided, single submitter. Criteria: ACMG Guidelines, 2015. Collection method: clinical testing. Allele origin: germline.

Quest Diagnostics Nichols Institute San Juan Capistrano
Classification: Benign. Last evaluated: 2023-07-31. Review status: criteria provided, single submitter. Criteria: Quest Diagnostics criteria. Collection method: clinical testing. Allele origin: unknown.

Institute for Clinical Genetics, University Hospital TU Dresden, University Hospital TU Dresden
Classification: Uncertain significance. Last evaluated: 2021-11-03. Review status: criteria provided, single submitter. Criteria: ACMG Guidelines, 2015. Collection method: clinical testing. Allele origin: germline.

GeneDx
Classification: Likely benign. Last evaluated: 2021-09-21. Review status: criteria provided, single submitter. Criteria: GeneDx Variant Classification Process June 2021. Collection method: clinical testing. Allele origin: germline. Affected: yes.
Comment: This variant is associated with the following publications: (PMID: 15855896, 23555315, 28135145, 27621404, 29458332, 26928227, 14684699, 27978560, 24728327, 26787654, 26315354, 26976419)

Genome-Nilou Lab
Classification: Likely benign for Microcephaly, normal intelligence and immunodeficiency. Last evaluated: 2021-05-18. Review status: criteria provided, single submitter. Criteria: ACMG Guidelines, 2015. Collection method: clinical testing. Allele origin: germline. Affected: no.

Sema4
Classification: Likely benign for Hereditary cancer-predisposing syndrome. Last evaluated: 2020-12-08. Review status: criteria provided, single submitter. Criteria: Sema4 Curation Guidelines. Collection method: curation. Allele origin: germline.

ARUP Laboratories, Molecular Genetics and Genomics, ARUP Laboratories
Classification: Likely benign. Last evaluated: 2020-11-18. Review status: criteria provided, single submitter. Criteria: ARUP Molecular Germline Variant Investigation Process 2021. Collection method: clinical testing. Allele origin: germline.

Genetic Services Laboratory, University of Chicago
Classification: Likely benign. Last evaluated: 2018-04-17. Review status: criteria provided, single submitter. Criteria: ACMG Guidelines, 2015. Collection method: clinical testing. Allele origin: germline. Affected: no.

Illumina Laboratory Services, Illumina
Classification: Likely benign for Microcephaly, normal intelligence and immunodeficiency. Last evaluated: 2017-08-14. Review status: criteria provided, single submitter. Criteria: ICSL Variant Classification Criteria 13 December 2019. Collection method: clinical testing. Allele origin: germline.
Comment: This variant was observed as part of a predisposition screen in an ostensibly healthy population. A literature search was performed for the gene, cDNA change, and amino acid change (where applicable). Publications were found based on this search. The evidence from the literature, in combination with allele frequency data from public databases where available, was sufficient to determine this variant is unlikely to cause disease. Therefore, this variant is classified as likely benign.

PreventionGenetics, part of Exact Sciences
Classification: Likely benign. Last evaluated: 2017-06-09. Review status: criteria provided, single submitter. Criteria: ACMG Guidelines, 2015. Collection method: clinical testing. Allele origin: germline.

Ambry Genetics
Classification: Benign for Hereditary cancer-predisposing syndrome. Last evaluated: 2016-06-22. Review status: criteria provided, single submitter. Criteria: Ambry Variant Classification Scheme 2023. Collection method: clinical testing. Allele origin: germline.

Women's Health and Genetics/Laboratory Corporation of America, LabCorp
Classification: Benign. Last evaluated: 2016-01-11. Review status: criteria provided, single submitter. Criteria: LabCorp Variant Classification Summary - May 2015. Collection method: clinical testing. Allele origin: germline.

Counsyl
Classification: Likely benign for Microcephaly, normal intelligence and immunodeficiency. Last evaluated: 2018-04-16. Review status: no assertion criteria provided. Collection method: clinical testing. Allele origin: unknown. Not counted in ClinVar's aggregate classification.

ITMI
No classification provided. Condition: AllHighlyPenetrant. Last evaluated: 2013-09-19. Review status: no classification provided. Collection method: reference population. Allele origin: germline. Not counted in ClinVar's aggregate classification.
Comment: Please see associated publication for description of ethnicities

Clinical Genetics DNA and cytogenetics Diagnostics Lab, Erasmus MC, Erasmus Medical Center
Classification: Likely benign. Review status: no assertion criteria provided. Collection method: clinical testing. Allele origin: germline. Affected: yes. Study: VKGL Data-share Consensus. Not counted in ClinVar's aggregate classification.

Department of Pathology and Laboratory Medicine, Sinai Health System
Classification: Likely benign for Malignant tumor of breast. Review status: no assertion criteria provided. Collection method: clinical testing. Allele origin: unknown. Affected: yes. Observed: 3 variant alleles. Study: The Canadian Open Genetics Repository (COGR). Not counted in ClinVar's aggregate classification.
Comment: NBN, EXON11, c.1720T>A, p.Leu574Ile, Heterozygous, Likely Benign The NBN p.Leu574Ile variant was identified in 7 of 8650 proband chromosomes (frequency 0.0008) from individuals or families with breast and/or ovarian cancer or colorectal cancer and was present in 9 of 8838 (frequency 0.001) control chromosomes from healthy individuals (Heikkinen_2003_14684699, Tung_2016_26976419, Pearlman_2016_27978560, Ramus_2015_26315354, Bodian_2014_24728327). The variant was also identified in the following databases: dbSNP (ID: rs142334798) as â€šÃ„ÃºWith Uncertain significance, other alleleâ€šÃ„Ã¹, ClinVar and Clinvitae databases (4x classified as uncertain significance by Invitae, University of Chicago, Quest Diagnostics, ARUP; 2x classified as likely benign by Ambry Genetics and GeneDx; 1x no classification by ITMI), and the Zhejiang Colon Cancer Database (1x classified as probably pathogenic; 1x classified as pathogenicity unknown). The variant was not identified in the COSMIC or LOVD 3.0 databases. The variant was identified in control databases in 192 of 276828 chromosomes (2 homozygous) at a frequency of 0.0007 increasing the likelihood this could be a low frequency variant (Genome Aggregation Database Feb 27, 2017). Observations by population included African in 1 of 24004 chromosomes (freq: 0.000042), â€šÃ„ÃºOtherâ€šÃ„Ã¹ in 3 of 6456 chromosomes (freq: 0.000465), Latino in 3 of 34414 chromosomes (freq: 0.000087), European Non-Finnish in 130 of 126478 chromosomes (freq: 0.001028), European Finnish in 37 of 25688 chromosomes (freq: 0.00144), and South Asian in 18 of 30778 chromosomes (freq: 0.000585); the variant was not observed in the Ashkenazi Jewish, or East Asian populations. The p.Leu574Ile residue is not conserved in mammals and computational analyses (PolyPhen-2, SIFT, AlignGVGD, BLOSUM, MutationTaster) do not suggest a high likelihood of impact to the protein; however, this information is not predictive enough to rule out pathogenicity. The variant occurs outside of the splicing consensus sequence and 1 of 5 in silico or computational prediction software programs (SpliceSiteFinder, MaxEntScan, NNSPLICE, GeneSplicer, HumanSpliceFinder) predict a greater than 10% difference in splicing; this is not very predictive of pathogenicity. In summary, based on the above information the clinical significance of this variant cannot be determined with certainty at this time although we would lean towards a more benign role for this variant. This variant is classified as likely benign.

Laboratory of Diagnostic Genome Analysis, Leiden University Medical Center (LUMC)
Classification: Likely benign. Review status: no assertion criteria provided. Collection method: clinical testing. Allele origin: germline. Affected: yes. Study: VKGL Data-share Consensus. Not counted in ClinVar's aggregate classification.

Literature cited by the submitters: PubMed 27621404 (cited by Quest Diagnostics Nichols Institute San Juan Capistrano); PubMed 24894818 (cited by Quest Diagnostics Nichols Institute San Juan Capistrano); PubMed 25186627 (cited by Quest Diagnostics Nichols Institute San Juan Capistrano); PubMed 36346689 (cited by Quest Diagnostics Nichols Institute San Juan Capistrano); PubMed 29641532 (cited by Quest Diagnostics Nichols Institute San Juan Capistrano); PubMed 28135145 (cited by Quest Diagnostics Nichols Institute San Juan Capistrano); PubMed 27978560 (cited by Quest Diagnostics Nichols Institute San Juan Capistrano); PubMed 29458332 (cited by Quest Diagnostics Nichols Institute San Juan Capistrano); PubMed 14684699 (cited by 3 submitters); PubMed 26315354 (cited by 3 submitters); PubMed 26976419 (cited by Quest Diagnostics Nichols Institute San Juan Capistrano and Illumina Laboratory Services, Illumina); PubMed 24728327 (cited by 5 submitters); PubMed 23555315 (cited by Women's Health and Genetics/Laboratory Corporation of America, LabCorp); PubMed 26659599 (cited by Counsyl).

NM_002485.5(NBN):c.1720T>A (p.Leu574Ile)

Gene: NBN (nibrin; minus strand). Cytogenetic location: 8q21.3.
Variant type: single nucleotide variant.
Coding change: c.1720T>A on transcript NM_002485.5 (MANE Select); coding-DNA position 1720, T replaced by A.
Protein change: p.Leu574Ile; replaces leucine 574 with isoleucine.
Molecular consequence: missense variant.
Genome position (GRCh38, 1-based): chr8:89,953,369, A>T on the plus strand (T>A on the coding strand, the complement: NBN is on the minus strand). VCF-style: chr8-89953369-A-T. GRCh37 (hg19) VCF-style: chr8-90965597-A-T.
Other names: p.L574I:TTA>ATA; c.1474T>A, p.Leu492Ile (NM_001024688.3); short protein forms L574I, L492I.
Identifiers: ClinVar variation 127861 (VCV000127861.83), dbSNP rs142334798, ClinGen allele CA160969.